The following is an entry in ClinVar:

NM_015559.3(SETBP1):c.2322A>G (p.Ala774=)

Gene: SETBP1 (SET binding protein 1; plus strand). Cytogenetic location: 18q12.3.
Variant type: single nucleotide variant.
Coding change: c.2322A>G on transcript NM_015559.3 (MANE Select); coding-DNA position 2322, A replaced by G.
Protein change: p.Ala774=; no amino-acid change (alanine 774 retained).
Molecular consequence: synonymous variant.
Genome position (GRCh38, 1-based): chr18:44,951,662, A>G. VCF-style: chr18-44951662-A-G. GRCh37 (hg19) VCF-style: chr18-42531627-A-G.
Other names: c.2322A>G, p.Ala774= (NM_001379141.1, NM_001379142.1, NM_001410862.1).
Identifiers: ClinVar variation 1694871 (VCV001694871.31), dbSNP rs2145104146, ClinGen allele CA503981971.

ClinVar aggregate classification (germline): Conflicting classifications of pathogenicity. Review status: criteria provided, conflicting classifications (1 of 4 stars). 2 submissions from 2 submitters: Uncertain significance (1); Likely benign (1). Last evaluated 2024-09-20.

Conditions:
Intellectual developmental disorder, autosomal dominant 29. Also called: SETBP1 Haploinsufficiency Disorder; Intellectual disability, autosomal dominant 29. Identifiers: Orphanet 436151, MedGen C4015141, MONDO:0014482, OMIM 616078.
Schinzel-Giedion syndrome (SGS). Identifiers: Orphanet 798, MedGen C0265227, MONDO:0010010, OMIM 269150.

Submissions (2):

3billion
Classification: Likely benign for Intellectual developmental disorder, autosomal dominant 29; Schinzel-Giedion syndrome. Last evaluated: 2024-09-20. Review status: criteria provided, single submitter. Criteria: ACMG Guidelines, 2015. Collection method: clinical testing. Allele origin: germline. Affected: no.
Comment: The variant was identified in at least one patient who was diagnosed with a different variant in another gene and showed no symptoms related to the gene containing the variant in question.

CeGaT Center for Human Genetics Tuebingen
Classification: Uncertain significance. Last evaluated: 2022-06-01. Review status: criteria provided, single submitter. Criteria: CeGaT Center For Human Genetics Tuebingen Variant Classification Criteria Version 2. Collection method: clinical testing. Allele origin: germline. Affected: yes. Observed: 1 variant allele.
Comment: SETBP1: PM2:Supporting, BP4